The following is an entry in ClinVar:

ClinVar aggregate classification (germline): Likely benign. Review status: criteria provided, single submitter (1 of 4 stars). 2 submissions from 2 submitters: Likely benign (1). 1 of the submissions does not count toward it. Last evaluated 2026-01-24.

Conditions:
Joubert syndrome. Also called: JOUBERT-BOLTSHAUSER SYNDROME; Familial aplasia of the vermis. Identifiers: Orphanet 475, MedGen C5979921, MONDO:0018772.
Meckel-Gruber syndrome. Also called: DYSENCEPHALIA SPLANCHNOCYSTICA; GRUBER SYNDROME; Dysencephalia splachnocystica. Identifiers: Orphanet 564, MedGen C0265215, MONDO:0018921.
CC2D2A-related disorder. Also called: CC2D2A-related disorders; CC2D2A-related condition. Identifiers: MedGen CN239313.

Allele frequency attached by ClinVar (database versions not stated): gnomAD 0.00001; gnomAD exomes 0.00001; TOPMed 0.00001; ExAC 0.00006.
gnomAD v4.1: 22 of 1,598,396 alleles (0.0014%); highest among the groups gnomAD compares: East Asian, 0.025%; no homozygotes.

Submissions (2):

Labcorp Genetics (formerly Invitae), Labcorp
Classification: Likely benign for Joubert syndrome; Meckel-Gruber syndrome. Last evaluated: 2026-01-24. Review status: criteria provided, single submitter. Criteria: Invitae Variant Classification Sherloc (09022015). Collection method: clinical testing. Allele origin: germline.

PreventionGenetics, part of Exact Sciences
Classification: Likely benign for CC2D2A-related condition. Last evaluated: 2022-06-16. Review status: no assertion criteria provided. Collection method: clinical testing. Allele origin: germline. Not counted in ClinVar's aggregate classification.
Comment: This variant is classified as likely benign based on ACMG/AMP sequence variant interpretation guidelines (Richards et al. 2015 PMID: 25741868, with internal and published modifications).

NM_001378615.1(CC2D2A):c.4675-19A>G

Genes: CC2D2A (coiled-coil and C2 domain containing 2A; plus strand), FBXL5 (F-box and leucine rich repeat protein 5; minus strand). Cytogenetic location: 4p15.32.
Variant type: single nucleotide variant.
Coding change: c.4675-19A>G on transcript NM_001378615.1 (MANE Select); 19 bases into the intron before coding-DNA position 4675, A replaced by G.
Molecular consequence: intron variant.
Genome position (GRCh38, 1-based): chr4:15,601,218, A>G. VCF-style: chr4-15601218-A-G. GRCh37 (hg19) VCF-style: chr4-15602841-A-G.
Other names: c.4675-19A>G (NM_001080522.2); c.4528-19A>G (NM_001378617.1).
Identifiers: ClinVar variation 2195843 (VCV002195843.6), dbSNP rs760384221, ClinGen allele CA2864449.
Genomic context (GRCh38, chr4:15,601,218, plus strand): 5'-AATTGCATACATTTACGTAGGAAAAAATGTATTAAATCTTCAAACTTCACTAATGACTAC[A>G]AATGTTTTTTCCCTTCAGTTCTCTGGATTTCCTCTTCACATGCCTTATTCTGAAGTGAAG-3'